The following is an entry in ClinVar:

NM_001320.7(CSNK2B):c.236T>C (p.Leu79Pro)

Gene: CSNK2B (casein kinase 2 beta; plus strand). Cytogenetic location: 6p21.33.
Variant type: single nucleotide variant.
Coding change: c.236T>C on transcript NM_001320.7 (MANE Select); coding-DNA position 236, T replaced by C.
Protein change: p.Leu79Pro; replaces leucine 79 with proline.
Molecular consequence: missense variant.
Genome position (GRCh38, 1-based): chr6:31,668,599, T>C. VCF-style: chr6-31668599-T-C. GRCh37 (hg19) VCF-style: chr6-31636376-T-C.
Other names: c.236T>C, p.Leu79Pro (NM_001282385.2); short protein forms L79P.
Identifiers: ClinVar variation 1321735 (VCV001321735.5), dbSNP rs2151187226, ClinGen allele CA363473228.

ClinVar aggregate classification (germline): Uncertain significance (1 of 4 stars; one submission).

Submission:

GeneDx
Classification: Uncertain significance. Last evaluated: 2025-03-29. Review status: criteria provided, single submitter. Criteria: GeneDx Variant Classification Process June 2021. Collection method: clinical testing. Allele origin: germline. Affected: yes.
Comment: Not observed at significant frequency in large population cohorts (gnomAD); In silico analysis supports that this missense variant has a deleterious effect on protein structure/function; Has not been previously published as pathogenic or benign to our knowledge